The following is an entry in ClinVar:

ClinVar aggregate classification (germline): Uncertain significance (1 of 4 stars; one submission).

Conditions:
Combined immunodeficiency due to ORAI1 deficiency. Also called: IMMUNODEFICIENCY 9. Identifiers: Orphanet 169090, Orphanet 317428, MedGen C2748568, MONDO:0013007, OMIM 612782.
Myopathy, tubular aggregate, 2 (TAM2). Identifiers: MedGen C4014557, MONDO:0014383, OMIM 615883.

Allele frequency attached by ClinVar (database versions not stated): gnomAD exomes below 0.00001 and 0.00001; TOPMed 0.00001.

Submission:

Labcorp Genetics (formerly Invitae), Labcorp
Classification: Uncertain significance for Myopathy, tubular aggregate, 2; Combined immunodeficiency due to ORAI1 deficiency. Last evaluated: 2022-03-12. Review status: criteria provided, single submitter. Criteria: Invitae Variant Classification Sherloc (09022015). Collection method: clinical testing. Allele origin: germline.
Comment: In summary, the available evidence is currently insufficient to determine the role of this variant in disease. Therefore, it has been classified as a Variant of Uncertain Significance. ClinVar contains an entry for this variant (Variation ID: 859451). This variant has not been reported in the literature in individuals affected with ORAI1-related conditions. This variant is present in population databases (no rsID available, gnomAD 0.006%). This sequence change replaces asparagine, which is neutral and polar, with histidine, which is basic and polar, at codon 274 of the ORAI1 protein (p.Asn274His).

NC_000012.12:g.121641557A>C

Gene: ORAI1 (ORAI calcium release-activated calcium modulator 1; plus strand). Cytogenetic location: 12q24.31.
Variant type: single nucleotide variant.
Genome position: GRCh38 VCF-style: chr12-121641557-A-C. GRCh37 (hg19) VCF-style: chr12-122079463-A-C.
Other names: c.820A>C, p.Asn274His (NM_032790.4); short protein forms N274H.
Identifiers: ClinVar variation 859451 (VCV000859451.10), dbSNP rs1311584085, ClinGen allele CA386984637.
Genomic context (GRCh38, chr12:121,641,557, plus strand): 5'-GCCGTCCACTTCTACCGCTCACTGGTTAGCCATAAGACTGACCGACAGTTCCAGGAGCTC[A>C]ACGAGCTGGCGGAGTTTGCCCGCTTACAGGACCAGCTGGACCACAGAGGGGACCACCCCC-3'